The following is an entry in ClinVar:

NM_001458.5(FLNC):c.7807C>T (p.Leu2603Phe)

Genes: FLNC (filamin C; plus strand), FLNC-AS1 (FLNC antisense RNA 1; minus strand). Cytogenetic location: 7q32.1.
Variant type: single nucleotide variant.
Coding change: c.7807C>T on transcript NM_001458.5 (MANE Select); coding-DNA position 7807, C replaced by T.
Protein change: p.Leu2603Phe; replaces leucine 2603 with phenylalanine.
Molecular consequence: missense variant.
Genome position (GRCh38, 1-based): chr7:128,858,034, C>T. VCF-style: chr7-128858034-C-T. GRCh37 (hg19) VCF-style: chr7-128498088-C-T.
Other names: c.7708C>T, p.Leu2570Phe (NM_001127487.2); short protein forms L2570F, L2603F.
Identifiers: ClinVar variation 967192 (VCV000967192.15), dbSNP rs746685461, ClinGen allele CA4476370.

ClinVar aggregate classification (germline): Uncertain significance. Review status: criteria provided, multiple submitters, no conflicts (2 of 4 stars). 4 submissions from 4 submitters: Uncertain significance (4). Last evaluated 2026-01-02.

Conditions:
Myofibrillar myopathy 5. Also called: FILAMINOPATHY, AUTOSOMAL DOMINANT; Filaminopathy (type). Identifiers: Orphanet 171445, MedGen C1836050, MONDO:0012289, OMIM 609524.
Distal myopathy with posterior leg and anterior hand involvement. Also called: WILLIAMS DISTAL MYOPATHY. Identifiers: Orphanet 63273, MedGen C3279722, MONDO:0013550, OMIM 614065.
Hypertrophic cardiomyopathy 26. Also called: Cardiomyopathy, familial hypertrophic, 26. Identifiers: Orphanet 75249, MedGen C4310749, MONDO:0014883, OMIM 617047.
Cardiovascular phenotype. Identifiers: MedGen CN230736.

Allele frequency attached by ClinVar (database versions not stated): gnomAD exomes below 0.00001 and 0.00001; gnomAD 0.00001; TOPMed 0.00002; ExAC 0.00003.
gnomAD v4.1: 3 of 1,570,168 alleles (0.00019%); highest among the groups gnomAD compares: African/African-American, 0.0013%; no homozygotes.

Submissions (4):

Labcorp Genetics (formerly Invitae), Labcorp
Classification: Uncertain significance for Distal myopathy with posterior leg and anterior hand involvement; Myofibrillar myopathy 5; Hypertrophic cardiomyopathy 26. Last evaluated: 2026-01-02. Review status: criteria provided, single submitter. Criteria: Invitae Variant Classification Sherloc (09022015). Collection method: clinical testing. Allele origin: germline.
Comment: This sequence change replaces leucine, which is neutral and non-polar, with phenylalanine, which is neutral and non-polar, at codon 2603 of the FLNC protein (p.Leu2603Phe). This variant is present in population databases (rs746685461, gnomAD 0.003%). This variant has not been reported in the literature in individuals affected with FLNC-related conditions. ClinVar contains an entry for this variant (Variation ID: 967192). An algorithm developed to predict the effect of missense changes on protein structure and function (PolyPhen-2) suggests that this variant is likely to be disruptive. In summary, the available evidence is currently insufficient to determine the role of this variant in disease. Therefore, it has been classified as a Variant of Uncertain Significance.

Ambry Genetics
Classification: Uncertain significance for Cardiovascular phenotype. Last evaluated: 2025-10-26. Review status: criteria provided, single submitter. Criteria: Ambry Variant Classification Scheme 2023. Collection method: clinical testing. Allele origin: germline.
Comment: The p.L2603F variant (also known as c.7807C>T), located in coding exon 47 of the FLNC gene, results from a C to T substitution at nucleotide position 7807. The leucine at codon 2603 is replaced by phenylalanine, an amino acid with highly similar properties. This amino acid position is well conserved in available vertebrate species. In addition, the in silico prediction for this alteration is inconclusive. Since supporting evidence is limited at this time, the clinical significance of this alteration remains unclear.

GeneDx
Classification: Uncertain significance. Last evaluated: 2024-08-04. Review status: criteria provided, single submitter. Criteria: GeneDx Variant Classification Process June 2021. Collection method: clinical testing. Allele origin: germline. Affected: yes.
Comment: Has not been previously published as pathogenic or benign to our knowledge; Not observed at significant frequency in large population cohorts (gnomAD); In silico analysis indicates that this missense variant does not alter protein structure/function

Revvity Omics, Revvity
Classification: Uncertain significance. Last evaluated: 2019-07-18. Review status: criteria provided, single submitter. Criteria: ACMG Guidelines, 2015. Collection method: clinical testing. Allele origin: germline.